The following is an entry in ClinVar:

ClinVar aggregate classification (germline): Uncertain significance (1 of 4 stars; one submission).

gnomAD v4.1: 3 of 1,608,974 alleles (0.00019%); highest among the groups gnomAD compares: Non-Finnish European, 0.00025%; no homozygotes.

Submission:

Labcorp Genetics (formerly Invitae), Labcorp
Classification: Uncertain significance. Last evaluated: 2025-01-11. Review status: criteria provided, single submitter. Criteria: Invitae Variant Classification Sherloc (09022015). Collection method: clinical testing. Allele origin: germline.
Comment: This sequence change replaces isoleucine, which is neutral and non-polar, with valine, which is neutral and non-polar, at codon 303 of the SUCLG2 protein (p.Ile303Val). This variant is not present in population databases (gnomAD no frequency). This variant has not been reported in the literature in individuals affected with SUCLG2-related conditions. An algorithm developed to predict the effect of missense changes on protein structure and function (PolyPhen-2) suggests that this variant is likely to be disruptive. In summary, the available evidence is currently insufficient to determine the role of this variant in disease. Therefore, it has been classified as a Variant of Uncertain Significance.

NM_003848.4(SUCLG2):c.907A>G (p.Ile303Val)

Gene: SUCLG2 (succinate-CoA ligase GDP-forming subunit beta; minus strand). Cytogenetic location: 3p14.1.
Variant type: single nucleotide variant.
Coding change: c.907A>G on transcript NM_003848.4 (MANE Select); coding-DNA position 907, A replaced by G.
Protein change: p.Ile303Val; replaces isoleucine 303 with valine.
Molecular consequence: missense variant.
Genome position (GRCh38, 1-based): chr3:67,498,146, T>C on the plus strand (A>G on the coding strand, the complement: SUCLG2 is on the minus strand). VCF-style: chr3-67498146-T-C. GRCh37 (hg19) VCF-style: chr3-67548570-T-C.
Other names: c.907A>G, p.Ile303Val (NM_001177599.2); short protein forms I303V.
Identifiers: ClinVar variation 3637452 (VCV003637452.2).